The following is an entry in ClinVar:

ClinVar aggregate classification (germline): Uncertain significance. Review status: criteria provided, multiple submitters, no conflicts (2 of 4 stars). 2 submissions from 2 submitters: Uncertain significance (2). Last evaluated 2024-10-23.

Conditions:
Inborn genetic diseases. Identifiers: MedGen C0950123, MeSH D030342.
KBG syndrome (KBGS). Also called: ANKRD11-Related KBG Syndrome. Identifiers: Orphanet 2332, MedGen C0220687, MONDO:0007846, OMIM 148050.

Allele frequency attached by ClinVar (database versions not stated): TOPMed 0.00002.
gnomAD v4.1: 16 of 1,535,840 alleles (0.001%); highest among the groups gnomAD compares: Non-Finnish European, 0.0013%; no homozygotes.

Submissions (2):

Labcorp Genetics (formerly Invitae), Labcorp
Classification: Uncertain significance for KBG syndrome. Last evaluated: 2024-10-23. Review status: criteria provided, single submitter. Criteria: Invitae Variant Classification Sherloc (09022015). Collection method: clinical testing. Allele origin: germline.
Comment: This sequence change replaces glycine, which is neutral and non-polar, with alanine, which is neutral and non-polar, at codon 2273 of the ANKRD11 protein (p.Gly2273Ala). This variant is present in population databases (no rsID available, gnomAD 0.002%). This variant has not been reported in the literature in individuals affected with ANKRD11-related conditions. Invitae Evidence Modeling of protein sequence and biophysical properties (such as structural, functional, and spatial information, amino acid conservation, physicochemical variation, residue mobility, and thermodynamic stability) indicates that this missense variant is not expected to disrupt ANKRD11 protein function with a negative predictive value of 95%. In summary, the available evidence is currently insufficient to determine the role of this variant in disease. Therefore, it has been classified as a Variant of Uncertain Significance.

Ambry Genetics
Classification: Uncertain significance for Inborn genetic diseases. Last evaluated: 2024-05-21. Review status: criteria provided, single submitter. Criteria: Ambry Variant Classification Scheme 2023. Collection method: clinical testing. Allele origin: germline.

NM_013275.6(ANKRD11):c.6818G>C (p.Gly2273Ala)

Gene: ANKRD11 (ankyrin repeat domain 11; minus strand). Cytogenetic location: 16q24.3.
Variant type: single nucleotide variant.
Coding change: c.6818G>C on transcript NM_013275.6 (MANE Select); coding-DNA position 6818, G replaced by C.
Protein change: p.Gly2273Ala; replaces glycine 2273 with alanine.
Molecular consequence: missense variant.
Genome position (GRCh38, 1-based): chr16:89,279,724, C>G on the plus strand (G>C on the coding strand, the complement: ANKRD11 is on the minus strand). VCF-style: chr16-89279724-C-G. GRCh37 (hg19) VCF-style: chr16-89346132-C-G.
Other names: c.6818G>C (NM_013275.4); c.6818G>C, p.Gly2273Ala (NM_001256182.2, NM_001256183.2); short protein forms G2273A.
Identifiers: ClinVar variation 3005100 (VCV003005100.3), dbSNP rs1342713893, ClinGen allele CA397149912.